The following is an entry in ClinVar:

ClinVar aggregate classification (germline): Uncertain significance. Review status: criteria provided, multiple submitters, no conflicts (2 of 4 stars). 2 submissions from 2 submitters: Uncertain significance (2). Last evaluated 2024-12-17.

Conditions:
Hereditary cancer-predisposing syndrome. Also called: Hereditary Cancer Syndrome; Hereditary neoplastic syndrome; Neoplastic Syndromes, Hereditary; Tumor predisposition. Identifiers: Orphanet 140162, MedGen C0027672, MeSH D009386, MONDO:0015356.
Familial cancer of breast. Also called: BREAST CANCER, FAMILIAL; Hereditary breast cancer; hereditary breast carcinoma. Identifiers: Orphanet 227535, MedGen C0346153, MONDO:0016419, OMIM 114480. Disease mechanism: loss of function.

Submissions (2):

Labcorp Genetics (formerly Invitae), Labcorp
Classification: Uncertain significance for Familial cancer of breast. Last evaluated: 2024-12-17. Review status: criteria provided, single submitter. Criteria: Invitae Variant Classification Sherloc (09022015). Collection method: clinical testing. Allele origin: germline.
Comment: This sequence change replaces serine, which is neutral and polar, with arginine, which is basic and polar, at codon 461 of the PALB2 protein (p.Ser461Arg). This variant is not present in population databases (gnomAD no frequency). This variant has not been reported in the literature in individuals affected with PALB2-related conditions. ClinVar contains an entry for this variant (Variation ID: 1771287). Invitae Evidence Modeling of protein sequence and biophysical properties (such as structural, functional, and spatial information, amino acid conservation, physicochemical variation, residue mobility, and thermodynamic stability) indicates that this missense variant is not expected to disrupt PALB2 protein function with a negative predictive value of 80%. In summary, the available evidence is currently insufficient to determine the role of this variant in disease. Therefore, it has been classified as a Variant of Uncertain Significance.

Ambry Genetics
Classification: Uncertain significance for Hereditary cancer-predisposing syndrome. Last evaluated: 2019-07-22. Review status: criteria provided, single submitter. Criteria: Ambry Variant Classification Scheme 2023. Collection method: clinical testing. Allele origin: germline.
Comment: The p.S461R variant (also known as c.1381A>C), located in coding exon 4 of the PALB2 gene, results from an A to C substitution at nucleotide position 1381. The serine at codon 461 is replaced by arginine, an amino acid with dissimilar properties. This amino acid position is not well conserved in available vertebrate species. In addition, this alteration is predicted to be tolerated by in silico analysis. Since supporting evidence is limited at this time, the clinical significance of this alteration remains unclear.

NM_024675.4(PALB2):c.1381A>C (p.Ser461Arg)

Gene: PALB2 (partner and localizer of BRCA2; minus strand). Cytogenetic location: 16p12.2.
Variant type: single nucleotide variant.
Coding change: c.1381A>C on transcript NM_024675.4 (MANE Select); coding-DNA position 1381, A replaced by C.
Protein change: p.Ser461Arg; replaces serine 461 with arginine.
Molecular consequence: missense variant.
Genome position (GRCh38, 1-based): chr16:23,635,165, T>G on the plus strand (A>C on the coding strand, the complement: PALB2 is on the minus strand). VCF-style: chr16-23635165-T-G. GRCh37 (hg19) VCF-style: chr16-23646486-T-G.
Other names: c.1321A>C, p.Ser441Arg (NM_001407296.1); c.1381A>C, p.Ser461Arg (NM_001407297.1, NM_001407298.1, NM_001407299.1 and 3 more transcripts); c.496A>C, p.Ser166Arg (NM_001407304.1, NM_001407305.1, NM_001407306.1 and 5 more transcripts); short protein forms S166R, S461R, S441R.
Identifiers: ClinVar variation 1771287 (VCV001771287.5), dbSNP rs2142417777, ClinGen allele CA395131391.